The following is an entry in ClinVar:

NM_001267550.2(TTN):c.30224-41T>G

Gene: TTN (titin; minus strand). Cytogenetic location: 2q31.2.
Variant type: single nucleotide variant.
Coding change: c.30224-41T>G on transcript NM_001267550.2 (MANE Select); 41 bases into the intron before coding-DNA position 30224, T replaced by G.
Molecular consequence: intron variant.
Genome position (GRCh38, 1-based): chr2:178,702,704, A>C on the plus strand (T>G on the coding strand, the complement: TTN is on the minus strand). VCF-style: chr2-178702704-A-C. GRCh37 (hg19) VCF-style: chr2-179567431-A-C.
Other names: c.13282+35378T>G (NM_003319.4); c.13858+35378T>G (NM_133437.4); c.13657+35378T>G (NM_133432.3); c.26492-41T>G (NM_133378.4); c.29273-41T>G (NM_001256850.1).
Identifiers: ClinVar variation 671330 (VCV000671330.2), dbSNP rs368136221, ClinGen allele CA1999212.

ClinVar aggregate classification (germline): Likely benign. Review status: criteria provided, multiple submitters, no conflicts (2 of 4 stars). 2 submissions from 2 submitters: Likely benign (2). Last evaluated 2018-06-19.

Allele frequency attached by ClinVar (database versions not stated): gnomAD 0.00175 and 0.00257; TOPMed 0.00220; ESP Exome Variant Server 0.00270; gnomAD exomes 0.00459 and 0.00487; 1000 Genomes Project 30x 0.00500; ExAC 0.00538; 1000 Genomes Project 0.00539.
gnomAD v4.1: 6,815 of 1,540,620 alleles (0.44%); highest among the groups gnomAD compares: South Asian, 2.3%; 60 homozygotes.

Submissions (2):

GeneDx
Classification: Likely benign. Last evaluated: 2018-06-19. Review status: criteria provided, single submitter. Criteria: GeneDx Variant Classification (06012015). Collection method: clinical testing. Allele origin: germline. Affected: yes.
Comment: This variant is considered likely benign or benign based on one or more of the following criteria: it is a conservative change, it occurs at a poorly conserved position in the protein, it is predicted to be benign by multiple in silico algorithms, and/or has population frequency not consistent with disease.

Breakthrough Genomics
Classification: Likely benign. Review status: criteria provided, single submitter. Criteria: ACMG Guidelines, 2015. Collection method: not provided. Allele origin: germline. Inheritance: Autosomal recessive inheritance. Affected: yes.